The following is an entry in ClinVar:

NM_014915.3(ANKRD26):c.2001A>G (p.Thr667=)

Gene: ANKRD26 (ankyrin repeat domain 26; minus strand). Cytogenetic location: 10p12.1.
Variant type: single nucleotide variant.
Coding change: c.2001A>G on transcript NM_014915.3 (MANE Select); coding-DNA position 2001, A replaced by G.
Protein change: p.Thr667=; no amino-acid change (threonine 667 retained).
Molecular consequence: synonymous variant.
Genome position (GRCh38, 1-based): chr10:27,044,175, T>C on the plus strand (A>G on the coding strand, the complement: ANKRD26 is on the minus strand). VCF-style: chr10-27044175-T-C. GRCh37 (hg19) VCF-style: chr10-27333104-T-C.
Other names: c.1998A>G, p.Thr666= (NM_001256053.2).
Identifiers: ClinVar variation 3869706 (VCV003869706.3).
Genomic context (GRCh38, chr10:27,044,175, plus strand): 5'-TTTTTTTAAACAATAATTTTGATAATTTATTTTTTACAGTACCTTGTTCTTTTCATTAGA[T>C]GTTTTCTTAGTAGGCCTAAAAAAAAAAAATACCTTTCAGGCAAATAGTAAACATGTAAAA-3'
Protein context (NP_055730.2, residues 657-677): DEDEGRPTKK[Thr667=]SNEKNKVKNQ

ClinVar aggregate classification (germline): Likely benign. Review status: criteria provided, multiple submitters, no conflicts (2 of 4 stars). 3 submissions from 3 submitters: Likely benign (3). Last evaluated 2026-07-22.

Conditions:
Inborn genetic diseases. Identifiers: MedGen C0950123, MeSH D030342.
ANKRD26-related disorder. Also called: ANKRD26-related condition.

gnomAD v4.1: 3 of 1,428,224 alleles (0.00021%); highest among the groups gnomAD compares: Non-Finnish European, 0.00029%; no homozygotes.

Submissions (3):

PreventionGenetics, part of Exact Sciences
Classification: Likely benign for ANKRD26-related condition. Last evaluated: 2026-07-22. Review status: criteria provided, single submitter. Criteria: ACMG Guidelines, 2015. Collection method: clinical testing. Allele origin: germline.
Comment: This variant is classified as likely benign based on ACMG/AMP sequence variant interpretation guidelines (Richards et al. 2015 PMID: 25741868, with internal and published modifications).

Labcorp Genetics (formerly Invitae), Labcorp
Classification: Likely benign. Last evaluated: 2025-12-20. Review status: criteria provided, single submitter. Criteria: Invitae Variant Classification Sherloc (09022015). Collection method: clinical testing. Allele origin: germline.

Ambry Genetics
Classification: Likely benign for Inborn genetic diseases. Last evaluated: 2024-12-25. Review status: criteria provided, single submitter. Criteria: Ambry Variant Classification Scheme 2023. Collection method: clinical testing. Allele origin: germline.